The following is an entry in ClinVar:

NM_001080467.3(MYO5B):c.5394+7T>C

Genes: MYO5B (myosin VB; minus strand), SNHG22 (small nucleolar RNA host gene 22; plus strand). Cytogenetic location: 18q21.1.
Variant type: single nucleotide variant.
Coding change: c.5394+7T>C on transcript NM_001080467.3 (MANE Select); 7 bases into the intron after coding-DNA position 5394, T replaced by C.
Molecular consequence: intron variant.
Genome position (GRCh38, 1-based): chr18:49,835,337, A>G on the plus strand (T>C on the coding strand, the complement: MYO5B is on the minus strand). VCF-style: chr18-49835337-A-G. GRCh37 (hg19) VCF-style: chr18-47361707-A-G.
Identifiers: ClinVar variation 4993318 (VCV004993318.1).

ClinVar aggregate classification (germline): Likely benign (1 of 4 stars; one submission).

Conditions:
MYO5B-related disorder. Also called: MYO5B-related condition.

Submission:

PreventionGenetics, part of Exact Sciences
Classification: Likely benign for MYO5B-related condition. Last evaluated: 2025-09-08. Review status: criteria provided, single submitter. Criteria: ACMG Guidelines, 2015. Collection method: clinical testing. Allele origin: germline.
Comment: This variant is classified as likely benign based on ACMG/AMP sequence variant interpretation guidelines (Richards et al. 2015 PMID: 25741868, with internal and published modifications).